The following is an entry in ClinVar:

ClinVar aggregate classification (germline): Uncertain significance (1 of 4 stars; one submission).

Conditions:
Hyperkalemic periodic paralysis. Also called: Familial hyperkalemic periodic paralysis; Gamstorp disease. Identifiers: Orphanet 682, MedGen C0238357, MONDO:0008224, OMIM 170500, HP:0007215.

Allele frequency attached by ClinVar (database versions not stated): gnomAD exomes below 0.00001 and 0.00001; ExAC 0.00002.
gnomAD v4.1: 2 of 1,613,262 alleles (0.00012%); highest among the groups gnomAD compares: Non-Finnish European, 0.00017%; no homozygotes.

Submission:

Labcorp Genetics (formerly Invitae), Labcorp
Classification: Uncertain significance for Hyperkalemic Periodic Paralysis Type 1. Last evaluated: 2019-07-08. Review status: criteria provided, single submitter. Criteria: Invitae Variant Classification Sherloc (09022015). Collection method: clinical testing. Allele origin: germline.
Comment: This sequence change replaces glutamic acid with alanine at codon 1769 of the SCN4A protein (p.Glu1769Ala). The glutamic acid residue is highly conserved and there is a moderate physicochemical difference between glutamic acid and alanine. This variant is present in population databases (rs768251194, ExAC 0.003%). This variant has not been reported in the literature in individuals with SCN4A-related conditions. Algorithms developed to predict the effect of missense changes on protein structure and function are either unavailable or do not agree on the potential impact of this missense change (SIFT: "Deleterious"; PolyPhen-2: "Benign"; Align-GVGD: "Class C0"). In summary, the available evidence is currently insufficient to determine the role of this variant in disease. Therefore, it has been classified as a Variant of Uncertain Significance.

NM_000334.4(SCN4A):c.5306A>C (p.Glu1769Ala)

Genes: GH-LCR (growth hormone locus control region; plus strand), SCN4A (sodium voltage-gated channel alpha subunit 4; minus strand). Cytogenetic location: 17q23.3.
Variant type: single nucleotide variant.
Coding change: c.5306A>C on transcript NM_000334.4 (MANE Select); coding-DNA position 5306, A replaced by C.
Protein change: p.Glu1769Ala; replaces glutamic acid 1769 with alanine.
Molecular consequence: missense variant.
Genome position (GRCh38, 1-based): chr17:63,940,976, T>G on the plus strand (A>C on the coding strand, the complement: SCN4A is on the minus strand). VCF-style: chr17-63940976-T-G. GRCh37 (hg19) VCF-style: chr17-62018336-T-G.
Other names: short protein forms E1769A.
Identifiers: ClinVar variation 946964 (VCV000946964.1), dbSNP rs768251194, ClinGen allele CA8708784.